The following is an entry in ClinVar:

NM_002386.4(MC1R):c.248C>T (p.Ser83Leu)

Gene: MC1R (melanocortin 1 receptor; plus strand). Cytogenetic location: 16q24.3.
Variant type: single nucleotide variant.
Coding change: c.248C>T on transcript NM_002386.4 (MANE Select); coding-DNA position 248, C replaced by T.
Protein change: p.Ser83Leu; replaces serine 83 with leucine.
Molecular consequence: missense variant.
Genome position (GRCh38, 1-based): chr16:89,919,506, C>T. VCF-style: chr16-89919506-C-T. GRCh37 (hg19) VCF-style: chr16-89985914-C-T.
Other names: short protein forms S83L.
Identifiers: ClinVar variation 470703 (VCV000470703.9), dbSNP rs777024553, ClinGen allele CA8255536.
Genomic context (GRCh38, chr16:89,919,506, plus strand): 5'-TCGCCAAGAACCGGAACCTGCACTCACCCATGTACTGCTTCATCTGCTGCCTGGCCTTGT[C>T]GGACCTGCTGGTGAGCGGGAGCAACGTGCTGGAGACGGCCGTCATCCTCCTGCTGGAGGC-3'
Protein context (NP_002377.4, residues 73-93): MYCFICCLAL[Ser83Leu]DLLVSGSNVL

ClinVar aggregate classification (germline): Uncertain significance (1 of 4 stars; one submission).

Conditions:
Melanoma, cutaneous malignant, susceptibility to, 5. Also called: Cutaneous malignant melanoma 5. Identifiers: Orphanet 618, MedGen C2751295, MONDO:0013133, OMIM 613099.

Allele frequency attached by ClinVar (database versions not stated): ExAC 0.00009; gnomAD 0.00003 and 0.00004; TOPMed 0.00005; gnomAD exomes 0.00005 and 0.00007.
gnomAD v4.1: 81 of 1,613,022 alleles (0.005%); highest among the groups gnomAD compares: Middle Eastern, 0.016%; no homozygotes.

Submission:

Labcorp Genetics (formerly Invitae), Labcorp
Classification: Uncertain significance for Melanoma, cutaneous malignant, susceptibility to, 5. Last evaluated: 2024-08-31. Review status: criteria provided, single submitter. Criteria: Invitae Variant Classification Sherloc (09022015). Collection method: clinical testing. Allele origin: germline.
Comment: This sequence change replaces serine, which is neutral and polar, with leucine, which is neutral and non-polar, at codon 83 of the MC1R protein (p.Ser83Leu). This variant is present in population databases (rs777024553, gnomAD 0.01%). This missense change has been observed in individual(s) with melanoma as well as in unaffected control individuals (PMID: 15221796, 19585506, 20876876, 23522749, 23647022). ClinVar contains an entry for this variant (Variation ID: 470703). Invitae Evidence Modeling of protein sequence and biophysical properties (such as structural, functional, and spatial information, amino acid conservation, physicochemical variation, residue mobility, and thermodynamic stability) has been performed for this missense variant. However, the output from this modeling did not meet the statistical confidence thresholds required to predict the impact of this variant on MC1R protein function. Experimental studies have shown that this missense change affects MC1R function (PMID: 23522749). In summary, the available evidence is currently insufficient to determine the role of this variant in disease. Therefore, it has been classified as a Variant of Uncertain Significance.

Literature cited by the submitters: PubMed 15221796; PubMed 19585506; PubMed 20876876; PubMed 23522749; PubMed 23647022.